The following is an entry in ClinVar:

NM_001267550.2(TTN):c.101411T>A (p.Met33804Lys)

Genes: TTN-AS1 (TTN antisense RNA 1; plus strand), TTN (titin; minus strand). Cytogenetic location: 2q31.2.
Variant type: single nucleotide variant.
Coding change: c.101411T>A on transcript NM_001267550.2 (MANE Select); coding-DNA position 101411, T replaced by A.
Protein change: p.Met33804Lys; replaces methionine 33804 with lysine.
Molecular consequence: missense variant.
Genome position (GRCh38, 1-based): chr2:178,535,204, A>T on the plus strand (T>A on the coding strand, the complement: TTN is on the minus strand). VCF-style: chr2-178535204-A-T. GRCh37 (hg19) VCF-style: chr2-179399931-A-T.
Other names: c.96488T>A, p.Met32163Lys (NM_001256850.1); c.74216T>A, p.Met24739Lys (NM_003319.4); c.93707T>A, p.Met31236Lys (NM_133378.4); c.74591T>A, p.Met24864Lys (NM_133432.3); c.74792T>A, p.Met24931Lys (NM_133437.4); short protein forms M24739K, M24864K, M24931K, M31236K, M32163K, M33804K.
Identifiers: ClinVar variation 3758538 (VCV003758538.2).

ClinVar aggregate classification (germline): Uncertain significance (1 of 4 stars; one submission).

Conditions:
Dilated cardiomyopathy 1G (CMD1G). Identifiers: Orphanet 154, MedGen C1858763, MONDO:0011400, OMIM 604145.
Autosomal recessive limb-girdle muscular dystrophy type 2J (LGMDR10). Also called: Limb-girdle muscular dystrophy, type 2J; MUSCULAR DYSTROPHY, LIMB-GIRDLE, AUTOSOMAL RECESSIVE 10. Identifiers: Orphanet 140922, MedGen C1837342, MONDO:0012127, OMIM 608807.

gnomAD v4.1: 6 of 1,613,944 alleles (0.00037%); highest among the groups gnomAD compares: Non-Finnish European, 0.00051%; no homozygotes.

Submission:

Labcorp Genetics (formerly Invitae), Labcorp
Classification: Uncertain significance for Dilated cardiomyopathy 1G; Autosomal recessive limb-girdle muscular dystrophy type 2J. Last evaluated: 2024-06-01. Review status: criteria provided, single submitter. Criteria: Invitae Variant Classification Sherloc (09022015). Collection method: clinical testing. Allele origin: germline.
Comment: This sequence change replaces methionine, which is neutral and non-polar, with lysine, which is basic and polar, at codon 33804 of the TTN protein (p.Met33804Lys). This variant is not present in population databases (gnomAD no frequency). This variant has not been reported in the literature in individuals affected with TTN-related conditions. Algorithms developed to predict the effect of missense changes on protein structure and function output the following: SIFT: "Not Available"; PolyPhen-2: "Not Available"; Align-GVGD: "Not Available". The lysine amino acid residue is found in multiple mammalian species, which suggests that this missense change does not adversely affect protein function. This variant is located in the M band of TTN (PMID: 25589632). Non-truncating variants in this region may be relevant for neuromuscular disorders, but have not been definitively shown to cause cardiomyopathy (PMID: 23975875). In summary, the available evidence is currently insufficient to determine the role of this variant in disease. Therefore, it has been classified as a Variant of Uncertain Significance.

Literature cited by the submitters: PubMed 25589632; PubMed 23975875.